The following is an entry in ClinVar:

ClinVar aggregate classification (germline): Uncertain significance. Review status: criteria provided, multiple submitters, no conflicts (2 of 4 stars). 2 submissions from 2 submitters: Uncertain significance (2). Last evaluated 2025-02-10.

Allele frequency attached by ClinVar (database versions not stated): ExAC 0.00002; gnomAD exomes 0.00003.
gnomAD v4.1: 42 of 1,613,994 alleles (0.0026%); highest among the groups gnomAD compares: Admixed American, 0.0033%; no homozygotes.

Submissions (2):

Labcorp Genetics (formerly Invitae), Labcorp
Classification: Uncertain significance. Last evaluated: 2025-02-10. Review status: criteria provided, single submitter. Criteria: Invitae Variant Classification Sherloc (09022015). Collection method: clinical testing. Allele origin: germline.
Comment: This sequence change replaces glycine, which is neutral and non-polar, with serine, which is neutral and polar, at codon 1620 of the DSCAML1 protein (p.Gly1620Ser). This variant is present in population databases (rs756292633, gnomAD 0.006%). This variant has not been reported in the literature in individuals affected with DSCAML1-related conditions. ClinVar contains an entry for this variant (Variation ID: 1419743). An algorithm developed to predict the effect of missense changes on protein structure and function (PolyPhen-2) suggests that this variant is likely to be tolerated. In summary, the available evidence is currently insufficient to determine the role of this variant in disease. Therefore, it has been classified as a Variant of Uncertain Significance.

Ambry Genetics
Classification: Uncertain significance. Last evaluated: 2025-02-01. Review status: criteria provided, single submitter. Criteria: Ambry Variant Classification Scheme 2023. Collection method: clinical testing. Allele origin: germline.

NM_020693.4(DSCAML1):c.4678G>A (p.Gly1560Ser)

Gene: DSCAML1 (DS cell adhesion molecule like 1; minus strand). Cytogenetic location: 11q23.3.
Variant type: single nucleotide variant.
Coding change: c.4678G>A on transcript NM_020693.4 (MANE Select); coding-DNA position 4678, G replaced by A.
Protein change: p.Gly1560Ser; replaces glycine 1560 with serine.
Molecular consequence: missense variant.
Genome position (GRCh38, 1-based): chr11:117,437,164, C>T on the plus strand (G>A on the coding strand, the complement: DSCAML1 is on the minus strand). VCF-style: chr11-117437164-C-T. GRCh37 (hg19) VCF-style: chr11-117307880-C-T.
Other names: c.4858G>A (NM_020693.2); short protein forms G1560S.
Identifiers: ClinVar variation 1419743 (VCV001419743.7), dbSNP rs756292633, ClinGen allele CA6296313.
Genomic context (GRCh38, chr11:117,437,164, plus strand): 5'-TCCACCCTTGCGACTCACTGCCATCGTAGTCCAGGGTGGCGAACTGGGCTGTTTCATTGC[C>T]GCAGCCCGCACTGTTGCAAGCCCTCATGCGCAGCTCGTACCACGTGGCCTCTCGCAGTTC-3'
Protein context (NP_065744.3, residues 1550-1570): RMRACNSAGC[Gly1560Ser]NETAQFATLD